The following is an entry in ClinVar:

NM_001318734.2(KLC2):c.999G>T (p.Leu333=)

Genes: KLC2 (kinesin light chain 2; plus strand), KLC2-AS1 (KLC2 antisense RNA 1; minus strand). Cytogenetic location: 11q13.2.
Variant type: single nucleotide variant.
Coding change: c.999G>T on transcript NM_001318734.2 (MANE Select); coding-DNA position 999, G replaced by T.
Protein change: p.Leu333=; no amino-acid change (leucine 333 retained).
Molecular consequence: synonymous variant.
Genome position (GRCh38, 1-based): chr11:66,264,102, G>T. VCF-style: chr11-66264102-G-T. GRCh37 (hg19) VCF-style: chr11-66031573-G-T.
Other names: c.768G>T, p.Leu256= (NM_001134774.2); c.999G>T, p.Leu333= (NM_001134775.2, NM_001134776.2, NM_022822.3).
Identifiers: ClinVar variation 4085357 (VCV004085357.8).

ClinVar aggregate classification (germline): Likely benign (1 of 4 stars; one submission).

Submission:

CeGaT Center for Human Genetics Tuebingen
Classification: Likely benign. Last evaluated: 2025-07-01. Review status: criteria provided, single submitter. Criteria: CeGaT Center For Human Genetics Tuebingen Variant Classification Criteria Version 2. Collection method: clinical testing. Allele origin: germline. Affected: yes. Observed: 1 variant allele.
Comment: KLC2: PM2:Supporting, BP4, BP7